The following is an entry in ClinVar:

ClinVar aggregate classification (germline): Pathogenic/Likely pathogenic. Review status: criteria provided, multiple submitters, no conflicts (2 of 4 stars). 2 submissions from 2 submitters: Pathogenic (1); Likely pathogenic (1). Last evaluated 2025-06-04.

Conditions:
Pontocerebellar hypoplasia type 4 (PCH4). Also called: Pontocerebellar Hypoplasia Type 4 (PCH4). Identifiers: Orphanet 166063, MedGen C1856974, MONDO:0009166, OMIM 225753.
Pontocerebellar hypoplasia type 2A (PCH2A). Also called: PONTOCEREBELLAR HYPOPLASIA WITH PROGRESSIVE CEREBRAL ATROPHY; VOLENDAM NEURODEGENERATIVE DISEASE. Identifiers: Orphanet 2524, MedGen C1848526, MONDO:0010190, OMIM 277470.
Pontocerebellar hypoplasia type 5 (PCH5). Also called: Pontocerebellar Hypoplasia Type 5 (PCH5). Identifiers: Orphanet 166068, MedGen C1857762, MONDO:0012438, OMIM 610204.

Submissions (2):

First Genomix Gene Laboratory, Genetic Diagnostics Department
Classification: Likely pathogenic for Pontocerebellar hypoplasia type 5; Pontocerebellar hypoplasia type 4; Pontocerebellar hypoplasia type 2A. Last evaluated: 2025-06-04. Review status: criteria provided, single submitter. Criteria: ACMG Guidelines, 2015. Collection method: clinical testing. Allele origin: germline. Inheritance: Autosomal recessive inheritance. Affected: no. Observed: 1 variant allele.

Labcorp Genetics (formerly Invitae), Labcorp
Classification: Pathogenic. Last evaluated: 2023-07-19. Review status: criteria provided, single submitter. Criteria: Invitae Variant Classification Sherloc (09022015). Collection method: clinical testing. Allele origin: germline.
Comment: This sequence change creates a premature translational stop signal (p.Gly256Alafs*86) in the TSEN54 gene. It is expected to result in an absent or disrupted protein product. Loss-of-function variants in TSEN54 are known to be pathogenic (PMID: 18711368, 20952379). This variant is not present in population databases (gnomAD no frequency). This variant has not been reported in the literature in individuals affected with TSEN54-related conditions. For these reasons, this variant has been classified as Pathogenic.

Literature cited by the submitters: PubMed 18711368 (cited by Labcorp Genetics (formerly Invitae), Labcorp); PubMed 20952379 (cited by Labcorp Genetics (formerly Invitae), Labcorp).

NM_207346.3(TSEN54):c.767del (p.Gly256fs)

Gene: TSEN54 (tRNA splicing endonuclease subunit 54; plus strand). Cytogenetic location: 17q25.1.
Variant type: Deletion.
Coding change: c.767del on transcript NM_207346.3 (MANE Select); coding-DNA position 767, one base deleted (G; older notation c.767delG).
Protein change: p.Gly256fs; shifts the reading frame from glycine 256.
Molecular consequence: frameshift variant.
Genome position (GRCh38, 1-based): chr17:75,521,848, G deleted; the last of 5 consecutive G bases (chr17:75,521,844-75,521,848); deleting any one gives the same sequence. VCF-style (leftmost placement, unchanged base first): chr17-75521843-AG-A. GRCh37 (hg19) VCF-style: chr17-73517924-AG-A.
Other names: c.767delG (NM_207346.3); short protein forms G256fs.
Identifiers: ClinVar variation 2745042 (VCV002745042.4), dbSNP rs2546156736, ClinGen allele CA2639827673.